The following is an entry in ClinVar:

NM_001369268.1(ACAN):c.1255A>C (p.Thr419Pro)

Gene: ACAN (aggrecan; plus strand). Cytogenetic location: 15q26.1.
Variant type: single nucleotide variant.
Coding change: c.1255A>C on transcript NM_001369268.1 (MANE Select); coding-DNA position 1255, A replaced by C.
Protein change: p.Thr419Pro; replaces threonine 419 with proline.
Molecular consequence: missense variant.
Genome position (GRCh38, 1-based): chr15:88,845,708, A>C. VCF-style: chr15-88845708-A-C. GRCh37 (hg19) VCF-style: chr15-89388939-A-C.
Other names: c.1255A>C, p.Thr419Pro (NM_001135.4, NM_001411096.1, NM_001411097.1 and 1 more transcripts); short protein forms T419P.
Identifiers: ClinVar variation 2917843 (VCV002917843.3), dbSNP rs757403740, ClinGen allele CA7719508.

ClinVar aggregate classification (germline): Uncertain significance (1 of 4 stars; one submission).

Allele frequency attached by ClinVar (database versions not stated): gnomAD 0.00001; TOPMed 0.00001; ExAC 0.00002; gnomAD exomes 0.00002.
gnomAD v4.1: 37 of 1,613,854 alleles (0.0023%); highest among the groups gnomAD compares: Non-Finnish European, 0.0026%; 1 homozygote.

Submission:

Labcorp Genetics (formerly Invitae), Labcorp
Classification: Uncertain significance. Last evaluated: 2024-04-30. Review status: criteria provided, single submitter. Criteria: Invitae Variant Classification Sherloc (09022015). Collection method: clinical testing. Allele origin: germline.
Comment: This sequence change replaces threonine, which is neutral and polar, with proline, which is neutral and non-polar, at codon 419 of the ACAN protein (p.Thr419Pro). This variant is present in population databases (rs757403740, gnomAD 0.005%). This variant has not been reported in the literature in individuals affected with ACAN-related conditions. Advanced modeling of protein sequence and biophysical properties (such as structural, functional, and spatial information, amino acid conservation, physicochemical variation, residue mobility, and thermodynamic stability) performed at Invitae indicates that this missense variant is not expected to disrupt ACAN protein function with a negative predictive value of 80%. In summary, the available evidence is currently insufficient to determine the role of this variant in disease. Therefore, it has been classified as a Variant of Uncertain Significance.